The following is an entry in ClinVar:

ClinVar aggregate classification (germline): Uncertain significance (1 of 4 stars; one submission).

Conditions:
Ehlers-Danlos syndrome, classic type, 1 (EDSCL1). Also called: EHLERS-DANLOS SYNDROME, GRAVIS TYPE; EHLERS-DANLOS SYNDROME, SEVERE CLASSIC TYPE; Ehlers-Danlos syndrome, type 1; Ehlers-Danlos Syndrome, Classic Type, COL5A1-Related; EDS I. Identifiers: MedGen C0268335, MONDO:0019567, OMIM 130000.

gnomAD v4.1: 2 of 1,614,126 alleles (0.00012%); highest among the groups gnomAD compares: South Asian, 0.0011%; no homozygotes.

Submission:

Labcorp Genetics (formerly Invitae), Labcorp
Classification: Uncertain significance for Ehlers-Danlos syndrome, classic type, 1. Last evaluated: 2024-12-13. Review status: criteria provided, single submitter. Criteria: Invitae Variant Classification Sherloc (09022015). Collection method: clinical testing. Allele origin: germline.
Comment: This sequence change replaces isoleucine, which is neutral and non-polar, with threonine, which is neutral and polar, at codon 1196 of the COL5A2 protein (p.Ile1196Thr). This variant is not present in population databases (gnomAD no frequency). This variant has not been reported in the literature in individuals affected with COL5A2-related conditions. Invitae Evidence Modeling of protein sequence and biophysical properties (such as structural, functional, and spatial information, amino acid conservation, physicochemical variation, residue mobility, and thermodynamic stability) indicates that this missense variant is not expected to disrupt COL5A2 protein function with a negative predictive value of 80%. In summary, the available evidence is currently insufficient to determine the role of this variant in disease. Therefore, it has been classified as a Variant of Uncertain Significance.

NM_000393.5(COL5A2):c.3587T>C (p.Ile1196Thr)

Gene: COL5A2 (collagen type V alpha 2 chain; minus strand). Cytogenetic location: 2q32.2.
Variant type: single nucleotide variant.
Coding change: c.3587T>C on transcript NM_000393.5 (MANE Select); coding-DNA position 3587, T replaced by C.
Protein change: p.Ile1196Thr; replaces isoleucine 1196 with threonine.
Molecular consequence: missense variant.
Genome position (GRCh38, 1-based): chr2:189,041,632, A>G on the plus strand (T>C on the coding strand, the complement: COL5A2 is on the minus strand). VCF-style: chr2-189041632-A-G. GRCh37 (hg19) VCF-style: chr2-189906358-A-G.
Other names: short protein forms I1196T.
Identifiers: ClinVar variation 3624631 (VCV003624631.2).